The following is an entry in ClinVar:

ClinVar aggregate classification (germline): Uncertain significance (1 of 4 stars; one submission).

Conditions:
Alpha thalassemia-X-linked intellectual disability syndrome (ATRX). Also called: ATR-X syndrome; Alpha thalassemia mental retardation syndrome, nondeletion type, X-linked; XLMR hypotonic face syndrome; X-linked alpha-thalassemia-mental retardation syndrome; ALPHA-THALASSEMIA/IMPAIRED INTELLECTUAL DEVELOPMENT SYNDROME, X-LINKED; ALPHA-THALASSEMIA/MENTAL RETARDATION SYNDROME, X-LINKED. Identifiers: Orphanet 847, MedGen C1845055, MONDO:0010519, OMIM 301040.

Allele frequency attached by ClinVar (database versions not stated): gnomAD 0.00001; gnomAD exomes 0.00001.
gnomAD v4.1: 8 of 1,200,451 alleles (0.00067%); highest among the groups gnomAD compares: Non-Finnish European, 0.0009%; no homozygotes.

Submission:

Labcorp Genetics (formerly Invitae), Labcorp
Classification: Uncertain significance for Alpha thalassemia-X-linked intellectual disability syndrome. Last evaluated: 2021-08-04. Review status: criteria provided, single submitter. Criteria: Invitae Variant Classification Sherloc (09022015). Collection method: clinical testing. Allele origin: germline.
Comment: Nucleotide substitutions within the consensus splice site are a relatively common cause of aberrant splicing (PMID: 17576681, 9536098). Algorithms developed to predict the effect of sequence changes on RNA splicing suggest that this variant is not likely to affect RNA splicing. In summary, the available evidence is currently insufficient to determine the role of this variant in disease. Therefore, it has been classified as a Variant of Uncertain Significance. This variant has not been reported in the literature in individuals affected with ATRX-related conditions. This variant is not present in population databases (ExAC no frequency). This sequence change falls in intron 21 of the ATRX gene. It does not directly change the encoded amino acid sequence of the ATRX protein. It affects a nucleotide within the consensus splice site of the intron.

Literature cited by the submitters: PubMed 17576681; PubMed 9536098.

NM_000489.6(ATRX):c.5448+4C>T

Gene: ATRX (ATRX chromatin remodeler; minus strand). Cytogenetic location: Xq21.1.
Variant type: single nucleotide variant.
Coding change: c.5448+4C>T on transcript NM_000489.6 (MANE Select); 4 bases into the intron after coding-DNA position 5448, C replaced by T.
Molecular consequence: intron variant.
Genome position (GRCh38, 1-based): chrX:77,618,802, G>A on the plus strand (C>T on the coding strand, the complement: ATRX is on the minus strand). VCF-style: chrX-77618802-G-A. GRCh37 (hg19) VCF-style: chrX-76874270-G-A.
Other names: c.5334+4C>T (NM_138270.5).
Identifiers: ClinVar variation 1365814 (VCV001365814.6), dbSNP rs1557098428, ClinGen allele CA643006459.